The following is an entry in ClinVar:

NM_018979.4(WNK1):c.6150T>C (p.Leu2050=)

Gene: WNK1 (WNK lysine deficient protein kinase 1; plus strand). Cytogenetic location: 12p13.33.
Variant type: single nucleotide variant.
Coding change: c.6150T>C on transcript NM_018979.4 (MANE Select); coding-DNA position 6150, T replaced by C.
Protein change: p.Leu2050=; no amino-acid change (leucine 2050 retained).
Molecular consequence: synonymous variant.
Genome position (GRCh38, 1-based): chr12:896,637, T>C. VCF-style: chr12-896637-T-C. GRCh37 (hg19) VCF-style: chr12-1005803-T-C.
Other names: p.Leu2302=; c.6930T>C, p.Leu2310= (NM_001184985.2); c.5406T>C, p.Leu1802= (NM_014823.3); c.6906T>C, p.Leu2302= (NM_213655.5).
Identifiers: ClinVar variation 289744 (VCV000289744.94), dbSNP rs151331381, ClinGen allele CA6383340.

ClinVar aggregate classification (germline): Conflicting classifications of pathogenicity. Review status: criteria provided, conflicting classifications (1 of 4 stars). 11 submissions from 11 submitters: Uncertain significance (1); Benign (2); Likely benign (5). 3 of the submissions do not count toward it. Last evaluated 2026-02-01.

Conditions:
WNK1-related disorder. Also called: WNK1-related condition.
Pseudohypoaldosteronism type 2C (PHA2C). Also called: Pseudohypoaldosteronism Type IIC. Identifiers: Orphanet 757, Orphanet 88940, MedGen C1840391, MONDO:0013778, OMIM 614492.
Neuropathy, hereditary sensory and autonomic, type 2A (HSAN2A). Also called: ACROOSTEOLYSIS, GIACCAI TYPE; ACROOSTEOLYSIS, NEUROGENIC; HSAN IIA; WNK1-Related HSAN2 (HSAN2A); NEUROPATHY, HEREDITARY SENSORY RADICULAR, AUTOSOMAL RECESSIVE; MORVAN DISEASE. Identifiers: Orphanet 970, MedGen C2752089, MONDO:0024309, OMIM 201300.

Allele frequency attached by ClinVar (database versions not stated): ExAC 0.00123; gnomAD exomes 0.00134 and 0.00166; 1000 Genomes Project 0.00140; 1000 Genomes Project 30x 0.00141; gnomAD 0.00157 and 0.00162; ESP Exome Variant Server 0.00185; TOPMed 0.00197.
gnomAD v4.1: 2,650 of 1,608,302 alleles (0.16%); highest among the groups gnomAD compares: Middle Eastern, 0.33%; 3 homozygotes.

Submissions (11):

CeGaT Center for Human Genetics Tuebingen
Classification: Likely benign. Last evaluated: 2026-02-01. Review status: criteria provided, single submitter. Criteria: CeGaT Center For Human Genetics Tuebingen Variant Classification Criteria Version 2. Collection method: clinical testing. Allele origin: germline. Affected: yes. Observed: 7 variant alleles.
Comment: WNK1: BP4, BP7

Labcorp Genetics (formerly Invitae), Labcorp
Classification: Likely benign for Neuropathy, hereditary sensory and autonomic, type 2A; Pseudohypoaldosteronism type 2C. Last evaluated: 2026-01-11. Review status: criteria provided, single submitter. Criteria: Invitae Variant Classification Sherloc (09022015). Collection method: clinical testing. Allele origin: germline.

PreventionGenetics, part of Exact Sciences
Classification: Likely benign for WNK1-related condition. Last evaluated: 2025-04-29. Review status: criteria provided, single submitter. Criteria: ACMG Guidelines, 2015. Collection method: clinical testing. Allele origin: germline.
Comment: This variant is classified as likely benign based on ACMG/AMP sequence variant interpretation guidelines (Richards et al. 2015 PMID: 25741868, with internal and published modifications).

Blueprint Genetics
Classification: Likely benign. Last evaluated: 2024-11-20. Review status: criteria provided, single submitter. Criteria: ACMG Guidelines, 2015. Collection method: clinical testing. Allele origin: germline.

Mayo Clinic Laboratories, Mayo Clinic
Classification: Benign. Last evaluated: 2023-12-15. Review status: criteria provided, single submitter. Criteria: ACMG Guidelines, 2015. Collection method: clinical testing. Allele origin: germline. Observed: 7 variant alleles.
Comment: BS1, BS2, BP4, BP7

ARUP Laboratories, Molecular Genetics and Genomics, ARUP Laboratories
Classification: Likely benign. Last evaluated: 2020-11-14. Review status: criteria provided, single submitter. Criteria: ARUP Molecular Germline Variant Investigation Process 2021. Collection method: clinical testing. Allele origin: germline.

Illumina Laboratory Services, Illumina
Classification: Benign for Pseudohypoaldosteronism type 2C. Last evaluated: 2018-01-13. Review status: criteria provided, single submitter. Criteria: ICSL Variant Classification Criteria 13 December 2019. Collection method: clinical testing. Allele origin: germline.
Comment: This variant was observed in the ICSL laboratory as part of a predisposition screen in an ostensibly healthy population. It had not been previously curated by ICSL or reported in the Human Gene Mutation Database (HGMD: prior to June 1st, 2018), and was therefore a candidate for classification through an automated scoring system. Utilizing variant allele frequency, disease prevalence and penetrance estimates, and inheritance mode, an automated score was calculated to assess if this variant is too frequent to cause the disease. Based on the score and internal cut-off values, a variant classified as benign is not then subjected to further curation. The score for this variant resulted in a classification of benign for this disease.

Eurofins Ntd Llc (ga)
Classification: Uncertain significance. Last evaluated: 2016-08-15. Review status: criteria provided, single submitter. Criteria: EGL Classification Definitions 2015. Collection method: clinical testing. Allele origin: germline. Observed: 1 variant allele, 1 heterozygote.

Clinical Genetics DNA and cytogenetics Diagnostics Lab, Erasmus MC, Erasmus Medical Center
Classification: Likely benign. Review status: no assertion criteria provided. Collection method: clinical testing. Allele origin: germline. Affected: yes. Study: VKGL Data-share Consensus. Not counted in ClinVar's aggregate classification.

Clinical Genetics, Academic Medical Center
Classification: Likely benign. Review status: no assertion criteria provided. Collection method: clinical testing. Allele origin: germline. Affected: yes. Study: VKGL Data-share Consensus. Not counted in ClinVar's aggregate classification.

Genome Diagnostics Laboratory, University Medical Center Utrecht
Classification: Likely benign. Review status: no assertion criteria provided. Collection method: clinical testing. Allele origin: germline. Affected: yes. Study: VKGL Data-share Consensus. Not counted in ClinVar's aggregate classification.